The following is an entry in ClinVar:

NM_003705.5(SLC25A12):c.249_255del (p.Cys85fs)

Gene: SLC25A12 (solute carrier family 25 member 12; minus strand). Cytogenetic location: 2q31.1.
Variant type: Deletion.
Coding change: c.249_255del on transcript NM_003705.5 (MANE Select); coding-DNA positions 249 to 255, 7 bases deleted (TTTATGT; older notation c.249_255delTTTATGT).
Protein change: p.Cys85fs; shifts the reading frame from cysteine 85.
Molecular consequence: frameshift variant.
Genome position (GRCh38, 1-based): chr2:171,855,904-171,855,910, ACATAAA deleted on the plus strand (TTTATGT on the coding strand, the reverse complement: SLC25A12 is on the minus strand); deleting any 7 consecutive bases within chr2:171,855,904-171,855,913 gives the same sequence; the c. name uses the placement nearest the transcript's 3' end. VCF-style (leftmost placement, unchanged base first): chr2-171855903-CACATAAA-C. GRCh37 (hg19) VCF-style: chr2-172712413-CACATAAA-C.
Other names: short protein forms C85fs.
Identifiers: ClinVar variation 2283010 (VCV002283010.2), dbSNP rs2545255528, ClinGen allele CA2580064509.
Genomic context (GRCh38, chr2:171,855,903, plus strand): 5'-CCTCTCCATTTCCACTCTTGTCAAACAACTGGAAAGCCACTATGAACATGGAATCTGGAG[CACATAAA>C]ACAGATTCAAATGCCAAAAACTCTTGATAGGAGATCAACCTGGAATAAAATATAAAACGT-3'

ClinVar aggregate classification (germline): Pathogenic (1 of 4 stars; one submission).

Conditions:
Inborn genetic diseases. Identifiers: MedGen C0950123, MeSH D030342.

Submission:

Ambry Genetics
Classification: Pathogenic for Inborn genetic diseases. Last evaluated: 2022-04-22. Review status: criteria provided, single submitter. Criteria: Ambry Variant Classification Scheme 2023. Collection method: clinical testing. Allele origin: germline.
Comment: The c.249_255delTTTATGT (p.C85Qfs*6) alteration, located in exon 4 (coding exon 4) of the SLC25A12 gene, consists of a deletion of 7 nucleotides from position 249 to 255, causing a translational frameshift with a predicted alternate stop codon after 6 amino acids. This alteration is expected to result in loss of function by premature protein truncation or nonsense-mediated mRNA decay. This variant was not reported in population-based cohorts in the Genome Aggregation Database (gnomAD). Based on the available evidence, this alteration is classified as pathogenic.